The following is an entry in ClinVar:

NM_006736.6(DNAJB2):c.175+2T>A

Gene: DNAJB2 (DnaJ heat shock protein family (Hsp40) member B2; plus strand). Cytogenetic location: 2q35.
Variant type: single nucleotide variant.
Coding change: c.175+2T>A on transcript NM_006736.6 (MANE Select); the canonical splice donor site of the intron after coding-DNA position 175, T replaced by A.
Molecular consequence: splice donor variant.
Genome position (GRCh38, 1-based): chr2:219,280,689, T>A. VCF-style: chr2-219280689-T-A. GRCh37 (hg19) VCF-style: chr2-220145411-T-A.
Other names: c.175+2T>A (NM_001039550.2).
Identifiers: ClinVar variation 652811 (VCV000652811.12), dbSNP rs562669797, ClinGen allele CA2122836.

ClinVar aggregate classification (germline): Pathogenic/Likely pathogenic. Review status: criteria provided, multiple submitters, no conflicts (2 of 4 stars). 4 submissions from 4 submitters: Pathogenic (2); Likely pathogenic (2). Last evaluated 2024-12-11.

Conditions:
Neuronopathy, distal hereditary motor, autosomal recessive 5. Also called: Spinal muscular atrophy, distal, autosomal recessive, 5; Young adult-onset distal hereditary motor neuropathy; NEUROPATHY, DISTAL HEREDITARY MOTOR, AUTOSOMAL RECESSIVE 5. Identifiers: Orphanet 314485, Orphanet 443950, MedGen C4749918, MONDO:0013947, OMIM 614881.

Allele frequency attached by ClinVar (database versions not stated): gnomAD 0.00001; gnomAD exomes 0.00003 and 0.00007; TOPMed 0.00003; ExAC 0.00010; 1000 Genomes Project 30x 0.00016; 1000 Genomes Project 0.00020.
gnomAD v4.1: 19 of 1,608,840 alleles (0.0012%); highest among the groups gnomAD compares: Admixed American, 0.032%; no homozygotes.

Submissions (4):

Labcorp Genetics (formerly Invitae), Labcorp
Classification: Pathogenic for Neuronopathy, distal hereditary motor, autosomal recessive 5. Last evaluated: 2024-12-11. Review status: criteria provided, single submitter. Criteria: Invitae Variant Classification Sherloc (09022015). Collection method: clinical testing. Allele origin: germline.
Comment: This sequence change affects a donor splice site in intron 3 of the DNAJB2 gene. It is expected to disrupt RNA splicing. Variants that disrupt the donor or acceptor splice site typically lead to a loss of protein function (PMID: 16199547), and loss-of-function variants in DNAJB2 are known to be pathogenic (PMID: 22522442, 25274842). This variant is present in population databases (rs562669797, gnomAD 0.05%). Disruption of this splice site has been observed in individuals with clinical features of DNAJB2-related conditions (internal data). ClinVar contains an entry for this variant (Variation ID: 652811). Algorithms developed to predict the effect of sequence changes on RNA splicing suggest that this variant may disrupt the consensus splice site. For these reasons, this variant has been classified as Pathogenic.

GeneDx
Classification: Pathogenic. Last evaluated: 2024-12-07. Review status: criteria provided, single submitter. Criteria: GeneDx Variant Classification Process June 2021. Collection method: clinical testing. Allele origin: germline. Affected: yes.
Comment: Canonical splice site variant predicted to result in a null allele in a gene for which loss of function is a known mechanism of disease; Has not been previously published as pathogenic or benign to our knowledge

Mayo Clinic Laboratories, Mayo Clinic
Classification: Likely pathogenic. Last evaluated: 2024-04-01. Review status: criteria provided, single submitter. Criteria: ACMG Guidelines, 2015. Collection method: clinical testing. Allele origin: germline. Observed: 1 variant allele.
Comment: PM2, PVS1

Revvity Omics, Revvity
Classification: Likely pathogenic for Neuronopathy, distal hereditary motor, autosomal recessive 5. Last evaluated: 2019-04-23. Review status: criteria provided, single submitter. Criteria: ACMG Guidelines, 2015. Collection method: clinical testing. Allele origin: germline.

Literature cited by the submitters: PubMed 16199547 (cited by Labcorp Genetics (formerly Invitae), Labcorp); PubMed 22522442 (cited by Labcorp Genetics (formerly Invitae), Labcorp); PubMed 25274842 (cited by Labcorp Genetics (formerly Invitae), Labcorp).